The following is an entry in ClinVar:

ClinVar aggregate classification (germline): Pathogenic/Likely pathogenic. Review status: criteria provided, multiple submitters, no conflicts (2 of 4 stars). 4 submissions from 4 submitters: Pathogenic (2); Likely pathogenic (2). Last evaluated 2026-05-29.

Conditions:
Familial thoracic aortic aneurysm and aortic dissection (TAAD). Also called: Thoracic aortic aneurysms and dissections. Identifiers: Orphanet 91387, MedGen C4707243, MONDO:0019625.
TGFB3-related disorder. Also called: TGFB3-related condition.
Rienhoff syndrome. Also called: LOEYS-DIETZ SYNDROME 5. Identifiers: MedGen C3810012, MONDO:0014262, OMIM 615582.

Submissions (4):

Ambry Genetics
Classification: Pathogenic for Familial thoracic aortic aneurysm and aortic dissection. Last evaluated: 2026-05-29. Review status: criteria provided, single submitter. Criteria: Ambry Variant Classification Scheme 2023. Collection method: clinical testing. Allele origin: germline.
Comment: The c.884dupG pathogenic mutation, located in coding exon 5 of the TGFB3 gene, results from a duplication of G at nucleotide position 884, causing a translational frameshift with a predicted alternate stop codon (p.Q296Sfs*28). This variant is considered to be rare based on population cohorts in the Genome Aggregation Database (gnomAD). This alteration is expected to result in loss of function by premature protein truncation or nonsense-mediated mRNA decay. As such, this alteration is interpreted as a disease-causing mutation.

Labcorp Genetics (formerly Invitae), Labcorp
Classification: Pathogenic for Rienhoff syndrome. Last evaluated: 2024-05-23. Review status: criteria provided, single submitter. Criteria: Invitae Variant Classification Sherloc (09022015). Collection method: clinical testing. Allele origin: germline.
Comment: This sequence change creates a premature translational stop signal (p.Gln296Serfs*28) in the TGFB3 gene. It is expected to result in an absent or disrupted protein product. Loss-of-function variants in TGFB3 are known to be pathogenic (PMID: 25835445, 26188975). This variant is not present in population databases (gnomAD no frequency). This variant has not been reported in the literature in individuals affected with TGFB3-related conditions. ClinVar contains an entry for this variant (Variation ID: 1764874). For these reasons, this variant has been classified as Pathogenic.

GeneDx
Classification: Likely pathogenic. Last evaluated: 2024-01-07. Review status: criteria provided, single submitter. Criteria: GeneDx Variant Classification Process June 2021. Collection method: clinical testing. Allele origin: germline. Affected: yes.
Comment: Frameshift variant predicted to result in protein truncation or nonsense mediated decay in a gene for which loss of function is a known mechanism of disease; Not observed at significant frequency in large population cohorts (gnomAD); Has not been previously published as pathogenic or benign to our knowledge

Blueprint Genetics
Classification: Likely pathogenic for TGFB3-related disorders. Last evaluated: 2021-05-19. Review status: criteria provided, single submitter. Criteria: ACMG Guidelines, 2015. Collection method: clinical testing. Allele origin: germline. Affected: yes. Observed: 1 variant allele.

Literature cited by the submitters: PubMed 25835445 (cited by Labcorp Genetics (formerly Invitae), Labcorp); PubMed 26188975 (cited by Labcorp Genetics (formerly Invitae), Labcorp).

NM_003239.5(TGFB3):c.884dup (p.Gln296fs)

Gene: TGFB3 (transforming growth factor beta 3; minus strand). Cytogenetic location: 14q24.3.
Variant type: Duplication.
Coding change: c.884dup on transcript NM_003239.5 (MANE Select); coding-DNA position 884, one base duplicated (G; older notation c.884dupG).
Protein change: p.Gln296fs; shifts the reading frame from glutamine 296.
Molecular consequence: frameshift variant.
Genome position (GRCh38, 1-based): chr14:75,963,358, C duplicated on the plus strand (G on the coding strand, the reverse complement: TGFB3 is on the minus strand); the first of 6 consecutive C bases (chr14:75,963,358-75,963,363); duplicating any one gives the same sequence. VCF-style (leftmost placement, unchanged base first): chr14-75963357-A-AC. GRCh37 (hg19) VCF-style: chr14-76429700-A-AC.
Other names: c.884dup, p.Gln296fs (NM_001329938.2, NM_001329939.2); c.884dupG (NM_003239.2); c.884dup (NM_003239.2); short protein forms Q296fs.
Identifiers: ClinVar variation 1764874 (VCV001764874.7), dbSNP rs1060502826, ClinGen allele CA2580088789.